The following is an entry in ClinVar:

ClinVar aggregate classification (germline): Uncertain significance (1 of 4 stars; one submission).

Conditions:
Primary ciliary dyskinesia. Also called: Ciliary dyskinesia. Identifiers: Orphanet 244, MedGen C0008780, MONDO:0016575, HP:0012265.

Submission:

Labcorp Genetics (formerly Invitae), Labcorp
Classification: Uncertain significance for Primary ciliary dyskinesia. Last evaluated: 2025-03-18. Review status: criteria provided, single submitter. Criteria: Invitae Variant Classification Sherloc (09022015). Collection method: clinical testing. Allele origin: germline.
Comment: This sequence change replaces alanine, which is neutral and non-polar, with threonine, which is neutral and polar, at codon 238 of the DNAAF2 protein (p.Ala238Thr). This variant is not present in population databases (gnomAD no frequency). This variant has not been reported in the literature in individuals affected with DNAAF2-related conditions. Invitae Evidence Modeling of protein sequence and biophysical properties (such as structural, functional, and spatial information, amino acid conservation, physicochemical variation, residue mobility, and thermodynamic stability) indicates that this missense variant is not expected to disrupt DNAAF2 protein function with a negative predictive value of 80%. In summary, the available evidence is currently insufficient to determine the role of this variant in disease. Therefore, it has been classified as a Variant of Uncertain Significance.

NM_018139.3(DNAAF2):c.712G>A (p.Ala238Thr)

Gene: DNAAF2 (dynein axonemal assembly factor 2; minus strand). Cytogenetic location: 14q21.3.
Variant type: single nucleotide variant.
Coding change: c.712G>A on transcript NM_018139.3 (MANE Select); coding-DNA position 712, G replaced by A.
Protein change: p.Ala238Thr; replaces alanine 238 with threonine.
Molecular consequence: missense variant.
Genome position (GRCh38, 1-based): chr14:49,634,438, C>T on the plus strand (G>A on the coding strand, the complement: DNAAF2 is on the minus strand). VCF-style: chr14-49634438-C-T. GRCh37 (hg19) VCF-style: chr14-50101156-C-T.
Other names: c.712G>A, p.Ala238Thr (NM_001083908.2); short protein forms A238T.
Identifiers: ClinVar variation 4741652 (VCV004741652.1).
Genomic context (GRCh38, chr14:49,634,438, plus strand): 5'-CCACGCTGTAGCGAGGCTCGGTGGGGGCGGGCTGCAAGGCCGCTTCCGGAGGGGAGGGCG[C>T]CCGGGGCCCGGGGGCTGCCGGGTACTGGTAAGGGTAGGGGAAGTCCGGGAGAGGACCCTT-3'
Protein context (NP_060609.2, residues 228-248): YQYPAAPGPR[Ala238Thr]PSPPEAALQP